The following is an entry in ClinVar:

ClinVar aggregate classification (germline): Uncertain significance (1 of 4 stars; one submission).

Conditions:
PCNT-related disorder. Also called: PCNT-related condition.

gnomAD v4.1: 8 of 1,607,804 alleles (0.0005%); highest among the groups gnomAD compares: Non-Finnish European, 0.00042%; no homozygotes.

Submission:

PreventionGenetics, part of Exact Sciences
Classification: Uncertain significance for PCNT-related condition. Last evaluated: 2025-11-14. Review status: criteria provided, single submitter. Criteria: ACMG Guidelines, 2015. Collection method: clinical testing. Allele origin: germline.
Comment: The PCNT c.854A>G variant is predicted to result in the amino acid substitution p.Asn285Ser. To our knowledge, this variant has not been reported in the literature. This variant is reported in 0.010% of alleles in individuals of Ashkenazi Jewish descent in gnomAD. At this time, the clinical significance of this variant is uncertain due to the absence of conclusive functional and genetic evidence.

NM_006031.6(PCNT):c.854A>G (p.Asn285Ser)

Gene: PCNT (pericentrin; plus strand). Cytogenetic location: 21q22.3.
Variant type: single nucleotide variant.
Coding change: c.854A>G on transcript NM_006031.6 (MANE Select); coding-DNA position 854, A replaced by G.
Protein change: p.Asn285Ser; replaces asparagine 285 with serine.
Molecular consequence: missense variant.
Genome position (GRCh38, 1-based): chr21:46,346,876, A>G. VCF-style: chr21-46346876-A-G. GRCh37 (hg19) VCF-style: chr21-47766790-A-G.
Other names: c.500A>G, p.Asn167Ser (NM_001315529.2); short protein forms N167S, N285S.
Identifiers: ClinVar variation 3353847 (VCV003353847.2).
Genomic context (GRCh38, chr21:46,346,876, plus strand): 5'-CACAGGCCAACCTCCAGAAGGAGAAGGAGACGGCATTGACGGAGCTGCGGGAGATGCTCA[A>G]CAGCCGGCGTGCCCAGGAGCTGGCCCTGCTACAGAGCAGGCAGCAGCACGAGCTGGAGCT-3'
Protein context (NP_006022.3, residues 275-295): TALTELREML[Asn285Ser]SRRAQELALL